The following is an entry in ClinVar:

NM_022124.6(CDH23):c.9412C>T (p.Arg3138Trp)

Gene: CDH23 (cadherin related 23; plus strand). Cytogenetic location: 10q22.1.
Variant type: single nucleotide variant.
Coding change: c.9412C>T on transcript NM_022124.6 (MANE Select); coding-DNA position 9412, C replaced by T.
Protein change: p.Arg3138Trp; replaces arginine 3138 with tryptophan.
Molecular consequence: missense variant.
Genome position (GRCh38, 1-based): chr10:71,812,511, C>T. VCF-style: chr10-71812511-C-T. GRCh37 (hg19) VCF-style: chr10-73572268-C-T.
Other names: c.2692C>T, p.Arg898Trp (NM_001171933.1, NM_001171934.1); c.103C>T, p.Arg35Trp (NM_001171935.1, NM_001171936.1); short protein forms R3138W, R35W, R898W.
Identifiers: ClinVar variation 437904 (VCV000437904.4), dbSNP rs1052484950, ClinGen allele CA377136447.

ClinVar aggregate classification (germline): Uncertain significance. Review status: criteria provided, multiple submitters, no conflicts (2 of 4 stars). 3 submissions from 3 submitters: Uncertain significance (2). 1 of the submissions does not count toward it. Last evaluated 2025-03-17.

Conditions:
Pituitary adenoma 5, multiple types. Identifiers: MedGen C4539685, MONDO:0054601, OMIM 617540.

Allele frequency attached by ClinVar (database versions not stated): gnomAD exomes below 0.00001; TOPMed 0.00001.
gnomAD v4.1: 35 of 1,383,922 alleles (0.0025%); highest among the groups gnomAD compares: East Asian, 0.038%; no homozygotes.

Submissions (3):

Women's Health and Genetics/Laboratory Corporation of America, LabCorp
Classification: Uncertain significance. Last evaluated: 2025-03-17. Review status: criteria provided, single submitter. Criteria: LabCorp Variant Classification Summary - May 2015. Collection method: clinical testing. Allele origin: germline.
Comment: Variant summary: CDH23 c.9412C>T (p.Arg3138Trp) results in a non-conservative amino acid change in the encoded protein sequence. Three of four in-silico tools predict a damaging effect of the variant on protein function. The variant allele was found at a frequency of 4e-06 in 249072 control chromosomes (gnomAD). The available data on variant occurrences in the general population are insufficient to allow any conclusion about variant significance. c.9412C>T has been reported in the literature in an individual affected with Usher Syndrome without strong evidence of causality (Sun_2018). These reports do not provide unequivocal conclusions about association of the variant with Usher Syndrome. To our knowledge, no experimental evidence demonstrating an impact on protein function has been reported. The following publication has been ascertained in the context of this evaluation (PMID: 29625443). ClinVar contains an entry for this variant (Variation ID: 437904). Based on the evidence outlined above, the variant was classified as uncertain significance.

Blueprint Genetics
Classification: Uncertain significance. Last evaluated: 2023-11-13. Review status: criteria provided, single submitter. Criteria: ACMG Guidelines, 2015. Collection method: clinical testing. Allele origin: germline.

OMIM
Classification: Pathogenic for PITUITARY ADENOMA 5, NONFUNCTIONAL. Last evaluated: 2017-09-26. Review status: no assertion criteria provided. Collection method: literature only. Allele origin: germline. Not counted in ClinVar's aggregate classification.

Literature cited by the submitters: PubMed 29625443 (cited by Women's Health and Genetics/Laboratory Corporation of America, LabCorp); PubMed 28413019 (cited by OMIM).